The following is an entry in ClinVar:

ClinVar aggregate classification (germline): Conflicting classifications of pathogenicity. Review status: criteria provided, conflicting classifications (1 of 4 stars). 3 submissions from 3 submitters: Pathogenic (2); Uncertain significance (1). Last evaluated 2025-09-24.

Conditions:
Hereditary hyperekplexia. Identifiers: Orphanet 3197, MedGen C4084968, MONDO:0021022.
Inborn genetic diseases. Identifiers: MedGen C0950123, MeSH D030342.
Hyperekplexia 1 (STHE). Also called: KOK DISEASE; STARTLE DISEASE, FAMILIAL; STIFF-BABY SYNDROME; STIFF-MAN SYNDROME, CONGENITAL; STIFF-PERSON SYNDROME, CONGENITAL; HYPEREKPLEXIA 1, AUTOSOMAL DOMINANT. Identifiers: Orphanet 3197, MedGen C4551954, MONDO:0007868, OMIM 149400.

Allele frequency attached by ClinVar (database versions not stated): ExAC 0.00001; gnomAD exomes 0.00001 and 0.00002; TOPMed 0.00002.
gnomAD v4.1: 16 of 1,614,068 alleles (0.00099%); highest among the groups gnomAD compares: Admixed American, 0.0083%; no homozygotes.

Submissions (3):

Genesolutions, Medical Genetics Institutes, Ho Chi Minh City, Vietnam
Classification: Pathogenic for Hyperekplexia 1. Last evaluated: 2025-09-24. Review status: criteria provided, single submitter. Criteria: ACMG Guidelines, 2015. Collection method: clinical testing. Allele origin: germline. Affected: yes.

Ambry Genetics
Classification: Uncertain significance for Inborn genetic diseases. Last evaluated: 2025-09-16. Review status: criteria provided, single submitter. Criteria: Ambry Variant Classification Scheme 2023. Collection method: clinical testing. Allele origin: germline.
Comment: The c.391G>A (p.E131K) alteration is located in exon 4 (coding exon 4) of the GLRA1 gene. This alteration results from a G to A substitution at nucleotide position 391, causing the glutamic acid (E) at amino acid position 131 to be replaced by a lysine (K). Based on data from the Genome Aggregation Database (gnomAD) database, the GLRA1 c.391G>A alteration was observed in <0.01% (5/251486) of total alleles studied, with a frequency of 0.01% (4/34592) in the Latino subpopulation. This alteration was reported in trans with a frameshift alteration in a patient with hyperekplexia (Chung, 2010). This amino acid position is completely conserved on sequence alignment. In vitro studies have demonstrated altered channel function (Chung, 2010; Safar, 2017). The in silico prediction for the p.E131K alteration is inconclusive. Based on insufficient or conflicting evidence, the clinical significance of this alteration remains unclear.

Labcorp Genetics (formerly Invitae), Labcorp
Classification: Pathogenic for Hereditary hyperekplexia. Last evaluated: 2024-08-28. Review status: criteria provided, single submitter. Criteria: Invitae Variant Classification Sherloc (09022015). Collection method: clinical testing. Allele origin: germline.
Comment: This sequence change replaces glutamic acid, which is acidic and polar, with lysine, which is basic and polar, at codon 131 of the GLRA1 protein (p.Glu131Lys). This variant is present in population databases (rs779234204, gnomAD 0.01%). This missense change has been observed in individual(s) with autosomal recessive hyperekplexia (PMID: 20631190; internal data). In at least one individual the data is consistent with being in trans (on the opposite chromosome) from a pathogenic variant. This variant is also known as Glu103Lys. ClinVar contains an entry for this variant (Variation ID: 464187). Invitae Evidence Modeling of protein sequence and biophysical properties (such as structural, functional, and spatial information, amino acid conservation, physicochemical variation, residue mobility, and thermodynamic stability) indicates that this missense variant is expected to disrupt GLRA1 protein function with a positive predictive value of 95%. Experimental studies have shown that this missense change affects GLRA1 function (PMID: 28174298). For these reasons, this variant has been classified as Pathogenic.

Literature cited by the submitters: PubMed 20631190 (cited by Ambry Genetics and Labcorp Genetics (formerly Invitae), Labcorp); PubMed 28174298 (cited by Ambry Genetics and Labcorp Genetics (formerly Invitae), Labcorp).

NM_000171.4(GLRA1):c.391G>A (p.Glu131Lys)

Gene: GLRA1 (glycine receptor alpha 1; minus strand). Cytogenetic location: 5q33.1.
Variant type: single nucleotide variant.
Coding change: c.391G>A on transcript NM_000171.4 (MANE Select); coding-DNA position 391, G replaced by A.
Protein change: p.Glu131Lys; replaces glutamic acid 131 with lysine.
Molecular consequence: missense variant.
Genome position (GRCh38, 1-based): chr5:151,859,870, C>T on the plus strand (G>A on the coding strand, the complement: GLRA1 is on the minus strand). VCF-style: chr5-151859870-C-T. GRCh37 (hg19) VCF-style: chr5-151239431-C-T.
Other names: c.391G>A, p.Glu131Lys (NM_001146040.2); c.142G>A, p.Glu48Lys (NM_001292000.2); short protein forms E131K, E48K.
Identifiers: ClinVar variation 464187 (VCV000464187.9), dbSNP rs779234204, ClinGen allele CA3523706.
Genomic context (GRCh38, chr5:151,859,870, plus strand): 5'-TCCGGGAGATCCTTAGCAATTTGTTGTCTGTGGTGATCTCATGGAAGTGGGCCCCCTTCT[C>T]GTTGGCAAAGAACAGGTCAGGTTTCCAGATGGAGTCCAGCATGGATGGGTCCAGGTCCAG-3'
Protein context (NP_000162.2, residues 121-141): IWKPDLFFAN[Glu131Lys]KGAHFHEITT